The following is an entry in ClinVar:

NM_022089.4(ATP13A2):c.518A>G (p.Tyr173Cys)

Gene: ATP13A2 (ATPase cation transporting 13A2; minus strand). Cytogenetic location: 1p36.13.
Variant type: single nucleotide variant.
Coding change: c.518A>G on transcript NM_022089.4 (MANE Select); coding-DNA position 518, A replaced by G.
Protein change: p.Tyr173Cys; replaces tyrosine 173 with cysteine.
Molecular consequence: missense variant.
Genome position (GRCh38, 1-based): chr1:17,004,371, T>C on the plus strand (A>G on the coding strand, the complement: ATP13A2 is on the minus strand). VCF-style: chr1-17004371-T-C. GRCh37 (hg19) VCF-style: chr1-17330866-T-C.
Other names: c.503A>G, p.Tyr168Cys (NM_001141973.3, NM_001141974.3); c.518A>G (NM_022089.2); short protein forms Y168C, Y173C.
Identifiers: ClinVar variation 872235 (VCV000872235.44), dbSNP rs376963085, ClinGen allele CA637607.

ClinVar aggregate classification (germline): Uncertain significance. Review status: criteria provided, multiple submitters, no conflicts (2 of 4 stars). 3 submissions from 3 submitters: Uncertain significance (3). Last evaluated 2025-12-16.

Conditions:
Inborn genetic diseases. Identifiers: MedGen C0950123, MeSH D030342.
Kufor-Rakeb syndrome (KRS). Also called: PARKINSON DISEASE 9, AUTOSOMAL RECESSIVE, JUVENILE-ONSET. Identifiers: Orphanet 306674, Orphanet 314632, MedGen C1847640, MONDO:0011706, OMIM 606693.
Autosomal recessive spastic paraplegia type 78. Identifiers: Orphanet 513436, MedGen C5567893, MONDO:0014975, OMIM 617225.

Allele frequency attached by ClinVar (database versions not stated): TOPMed below 0.00001; gnomAD 0.00001; ExAC 0.00002; gnomAD exomes 0.00002; ESP Exome Variant Server 0.00008; 1000 Genomes Project 30x 0.00016; 1000 Genomes Project 0.00020.
gnomAD v4.1: 11 of 1,614,028 alleles (0.00068%); highest among the groups gnomAD compares: South Asian, 0.011%; no homozygotes.

Submissions (3):

Ambry Genetics
Classification: Uncertain significance for Inborn genetic diseases. Last evaluated: 2025-12-16. Review status: criteria provided, single submitter. Criteria: Ambry Variant Classification Scheme 2023. Collection method: clinical testing. Allele origin: germline.

Labcorp Genetics (formerly Invitae), Labcorp
Classification: Uncertain significance for Kufor-Rakeb syndrome; Autosomal recessive spastic paraplegia type 78. Last evaluated: 2021-11-28. Review status: criteria provided, single submitter. Criteria: Invitae Variant Classification Sherloc (09022015). Collection method: clinical testing. Allele origin: germline.
Comment: In summary, the available evidence is currently insufficient to determine the role of this variant in disease. Therefore, it has been classified as a Variant of Uncertain Significance. Algorithms developed to predict the effect of missense changes on protein structure and function (SIFT, PolyPhen-2, Align-GVGD) all suggest that this variant is likely to be disruptive. ClinVar contains an entry for this variant (Variation ID: 872235). This variant has not been reported in the literature in individuals affected with ATP13A2-related conditions. This variant is present in population databases (rs376963085, gnomAD 0.01%). This sequence change replaces tyrosine, which is neutral and polar, with cysteine, which is neutral and slightly polar, at codon 173 of the ATP13A2 protein (p.Tyr173Cys).

CeGaT Center for Human Genetics Tuebingen
Classification: Uncertain significance. Last evaluated: 2019-11-01. Review status: criteria provided, single submitter. Criteria: CeGaT Center For Human Genetics Tuebingen Variant Classification Criteria Version 2. Collection method: clinical testing. Allele origin: germline. Affected: yes. Observed: 1 variant allele.